The following is an entry in ClinVar:

NM_001035.3(RYR2):c.7459C>A (p.Leu2487Ile)

Gene: RYR2 (ryanodine receptor 2; plus strand). Cytogenetic location: 1q43.
Variant type: single nucleotide variant.
Coding change: c.7459C>A on transcript NM_001035.3 (MANE Select); coding-DNA position 7459, C replaced by A.
Protein change: p.Leu2487Ile; replaces leucine 2487 with isoleucine.
Molecular consequence: missense variant.
Genome position (GRCh38, 1-based): chr1:237,648,560, C>A. VCF-style: chr1-237648560-C-A. GRCh37 (hg19) VCF-style: chr1-237811860-C-A.
Other names: short protein forms L2487I.
Identifiers: ClinVar variation 874536 (VCV000874536.25), dbSNP rs748581317, ClinGen allele CA087394.

ClinVar aggregate classification (germline): Uncertain significance. Review status: criteria provided, multiple submitters, no conflicts (2 of 4 stars). 8 submissions from 7 submitters: Uncertain significance (8). Last evaluated 2026-03-06.

Conditions:
Arrhythmogenic right ventricular dysplasia 2. Identifiers: MedGen C1832931.
Catecholaminergic polymorphic ventricular tachycardia (CVPT). Also called: Catecholamine-induced polymorphic ventricular tachycardia. Identifiers: Orphanet 3286, MedGen C5574922, MONDO:0017990.
Cardiovascular phenotype. Identifiers: MedGen CN230736.
Cardiomyopathy (CMYO). Also called: Cardiomyopathies. Identifiers: Orphanet 167848, MedGen C0878544, MONDO:0004994, HP:0001638. Inheritance: Various modes of inheritance.
Catecholaminergic polymorphic ventricular tachycardia 1. Also called: VENTRICULAR TACHYCARDIA, STRESS-INDUCED POLYMORPHIC 1; VENTRICULAR TACHYCARDIA, CATECHOLAMINERGIC POLYMORPHIC, 1, WITH OR WITHOUT ATRIAL DYSFUNCTION AND/OR DILATED CARDIOMYOPATHY; RYR2-Related Catecholaminergic Polymorphic Ventricular Tachycardia. Identifiers: Orphanet 3286, MedGen C1631597, MONDO:0011484, OMIM 604772.

Allele frequency attached by ClinVar (database versions not stated): gnomAD exomes 0.00003 and 0.00006; ExAC 0.00005; gnomAD 0.00004; TOPMed 0.00005.
gnomAD v4.1: 86 of 1,611,294 alleles (0.0053%); highest among the groups gnomAD compares: Non-Finnish European, 0.007%; no homozygotes.

Submissions (8):

GeneDx
Classification: Uncertain significance. Last evaluated: 2026-03-06. Review status: criteria provided, single submitter. Criteria: GeneDx Variant Classification Process June 2021. Collection method: clinical testing. Allele origin: germline.
Comment: In silico analysis suggests that this missense variant does not alter protein structure/function; Located in one of the three hot-spot regions of the RYR2 gene, where the majority of pathogenic missense variants occur (PMID: 19926015); This variant is associated with the following publications: (PMID: 27538377, 24025405, 19926015, 29453246)

Labcorp Genetics (formerly Invitae), Labcorp
Classification: Uncertain significance for Catecholaminergic polymorphic ventricular tachycardia 1. Last evaluated: 2026-01-21. Review status: criteria provided, single submitter. Criteria: Invitae Variant Classification Sherloc (09022015). Collection method: clinical testing. Allele origin: germline.
Comment: This sequence change replaces leucine, which is neutral and non-polar, with isoleucine, which is neutral and non-polar, at codon 2487 of the RYR2 protein (p.Leu2487Ile). This variant is present in population databases (rs748581317, gnomAD 0.006%). This missense change has been observed in individual(s) with clinical features of catecholaminergic polymorphic ventricular tachycardia (PMID: 24025405, 29453246). ClinVar contains an entry for this variant (Variation ID: 874536). Invitae Evidence Modeling of protein sequence and biophysical properties (such as structural, functional, and spatial information, amino acid conservation, physicochemical variation, residue mobility, and thermodynamic stability) indicates that this missense variant is not expected to disrupt RYR2 protein function with a negative predictive value of 95%. In summary, the available evidence is currently insufficient to determine the role of this variant in disease. Therefore, it has been classified as a Variant of Uncertain Significance.

Ambry Genetics
Classification: Uncertain significance for Cardiovascular phenotype. Last evaluated: 2024-08-19. Review status: criteria provided, single submitter. Criteria: Ambry Variant Classification Scheme 2023. Collection method: clinical testing. Allele origin: germline.
Comment: The p.L2487I variant (also known as c.7459C>A), located in coding exon 49 of the RYR2 gene, results from a C to A substitution at nucleotide position 7459. The leucine at codon 2487 is replaced by isoleucine, an amino acid with highly similar properties. This variant was reported in a catecholaminergic polymorphic ventricular tachycardia (CPVT) genetic testing referral cohort; however, clinical details were not provided (Kapplinger JD et al. Circ Genom Precis Med, 2018 02;11:e001424). This amino acid position is well conserved in available vertebrate species. In addition, this alteration is predicted to be tolerated by in silico analysis. Since supporting evidence is limited at this time, the clinical significance of this alteration remains unclear.

All of Us Research Program, National Institutes of Health
Classification: Uncertain significance for Catecholaminergic polymorphic ventricular tachycardia. Last evaluated: 2024-07-29. Review status: criteria provided, single submitter. Criteria: ACMG Guidelines, 2015. Collection method: clinical testing. Allele origin: germline. Inheritance: Autosomal dominant inheritance. Observed: 9 variant alleles, 9 heterozygotes.
Comment: This missense variant replaces leucine with isoleucine at codon 2487 of the RYR2 protein. Computational prediction suggests that this variant may not impact protein structure and function (internally defined REVEL score threshold <= 0.5, PMID: 27666373). To our knowledge, functional studies have not been reported for this variant. This variant has been reported in an individual suspected of having catecholaminergic polymorphic ventricular tachycardia (PMID: 29453246). This variant has been identified in 9/275972 chromosomes in the general population by the Genome Aggregation Database (gnomAD). The available evidence is insufficient to determine the role of this variant in disease conclusively. Therefore, this variant is classified as a Variant of Uncertain Significance.

This study involves interpretation of variants in research participants for the purpose of population health screening. Participant phenotype was not available at the time of variant classification. Additional details can be found in publication PMID: 35346344, PMCID: PMC8962531

Color Diagnostics, LLC DBA Color Health
Classification: Uncertain significance for Cardiomyopathy. Last evaluated: 2024-07-17. Review status: criteria provided, single submitter. Criteria: ACMG Guidelines, 2015. Collection method: clinical testing. Allele origin: germline.
Comment: This missense variant replaces leucine with isoleucine at codon 2487 of the RYR2 protein. Computational prediction suggests that this variant may not impact protein structure and function. To our knowledge, functional studies have not been reported for this variant. This variant has been reported in an individual suspected of having catecholaminergic polymorphic ventricular tachycardia (PMID: 29453246). This variant has been identified in 9/275972 chromosomes in the general population by the Genome Aggregation Database (gnomAD). The available evidence is insufficient to determine the role of this variant in disease conclusively. Therefore, this variant is classified as a Variant of Uncertain Significance.

ARUP Laboratories, Molecular Genetics and Genomics, ARUP Laboratories
Classification: Uncertain significance. Last evaluated: 2024-05-08. Review status: criteria provided, single submitter. Criteria: ARUP Molecular Germline Variant Investigation Process 2024. Collection method: clinical testing. Allele origin: germline.
Comment: The RYR2 c.7459C>A; p.Leu2487Ile variant (rs748581317; ClinVar ID: 874536) is reported in the literature in an individual with suspected catecholaminergic polymorphic ventricular tachycardia, although it was not demonstrated to be disease-causing (Kapplinger 2018). This variant is found in the general population with an overall allele frequency of 0.003% (9/275,972 alleles) in the Genome Aggregation Database (v2.1.1). Computational analyses are uncertain whether this variant is neutral or deleterious (REVEL: 0.285). Due to limited information, the clinical significance of this variant is uncertain at this time. References: Kapplinger JD et al. Yield of the RYR2 Genetic Test in Suspected Catecholaminergic Polymorphic Ventricular Tachycardia and Implications for Test Interpretation. Circ Genom Precis Med. 2018 Feb;11(2):e001424. PMID: 29453246.

Illumina Laboratory Services, Illumina
Classification: Uncertain significance for Catecholaminergic polymorphic ventricular tachycardia 1. Last evaluated: 2018-01-13. Review status: criteria provided, single submitter. Criteria: ICSL Variant Classification Criteria 13 December 2019. Collection method: clinical testing. Allele origin: germline.

Illumina Laboratory Services, Illumina
Classification: Uncertain significance for Catecholaminergic polymorphic ventricular tachycardia 1. Last evaluated: 2018-01-13. Review status: criteria provided, single submitter. Criteria: ICSL Variant Classification Criteria 13 December 2019. Collection method: clinical testing. Allele origin: germline.

Literature cited by the submitters: PubMed 24025405 (cited by Labcorp Genetics (formerly Invitae), Labcorp); PubMed 29453246 (cited by 4 submitters); PubMed 27538377 (cited by Ambry Genetics).